The following is an entry in ClinVar:

NM_000179.3(MSH6):c.1260C>A (p.Asn420Lys)

Gene: MSH6 (mutS homolog 6; plus strand). Cytogenetic location: 2p16.3.
Variant type: single nucleotide variant.
Coding change: c.1260C>A on transcript NM_000179.3 (MANE Select); coding-DNA position 1260, C replaced by A.
Protein change: p.Asn420Lys; replaces asparagine 420 with lysine.
Molecular consequence: missense variant.
Genome position (GRCh38, 1-based): chr2:47,799,243, C>A. VCF-style: chr2-47799243-C-A. GRCh37 (hg19) VCF-style: chr2-48026382-C-A.
Other names: c.963C>A, p.Asn321Lys (NM_001406824.1, NM_001406827.1, NM_001406828.1 and 10 more transcripts); c.1092C>A, p.Asn364Lys (NM_001406826.1); c.870C>A, p.Asn290Lys (NM_001281492.2); c.354C>A, p.Asn118Lys (NM_001281493.2, NM_001281494.2, NM_001406811.1 and 6 more transcripts); c.1356C>A, p.Asn452Lys (NM_001406795.1, NM_001406802.1); c.1260C>A, p.Asn420Lys (NM_001406796.1, NM_001406798.1, NM_001406800.1 and 4 more transcripts); c.735C>A, p.Asn245Lys (NM_001406799.1, NM_001406806.1, NM_001406807.1); c.1182C>A, p.Asn394Lys (NM_001406804.1); and 1 more; short protein forms N118K, N321K, N394K, N245K, N422K, N290K, N364K, N452K.
Identifiers: ClinVar variation 1762955 (VCV001762955.2), dbSNP rs1114167752, ClinGen allele CA346743929.

ClinVar aggregate classification (germline): Uncertain significance (1 of 4 stars; one submission).

Conditions:
Hereditary cancer-predisposing syndrome. Also called: Neoplastic Syndromes, Hereditary; Tumor predisposition; Hereditary Cancer Syndrome; Hereditary neoplastic syndrome. Identifiers: Orphanet 140162, MedGen C0027672, MeSH D009386, MONDO:0015356.

Submission:

Ambry Genetics
Classification: Uncertain significance for Hereditary cancer-predisposing syndrome. Last evaluated: 2017-11-16. Review status: criteria provided, single submitter. Criteria: Ambry Variant Classification Scheme 2023. Collection method: clinical testing. Allele origin: germline.
Comment: The p.N420K variant (also known as c.1260C>A), located in coding exon 4 of the MSH6 gene, results from a C to A substitution at nucleotide position 1260. The asparagine at codon 420 is replaced by lysine, an amino acid with similar properties. This amino acid position is not well conserved in available vertebrate species. In addition, the in silico prediction for this alteration is inconclusive. In addition, the CoDP in silico tool predicts that this alteration will likely impair molecular function, with a score of 0.806 (Terui H et al. J. Biomed. Sci. 2013 Apr;20:25). Since supporting evidence is limited at this time, the clinical significance of this alteration remains unclear.